The following is an entry in ClinVar:

ClinVar aggregate classification (germline): Uncertain significance. Review status: criteria provided, multiple submitters, no conflicts (2 of 4 stars). 2 submissions from 2 submitters: Uncertain significance (2). Last evaluated 2025-03-20.

Conditions:
SETD2-related disorder.

Allele frequency attached by ClinVar (database versions not stated): gnomAD 0.00001.

Submissions (2):

Women's Health and Genetics/Laboratory Corporation of America, LabCorp
Classification: Uncertain significance. Last evaluated: 2025-03-20. Review status: criteria provided, single submitter. Criteria: LabCorp Variant Classification Summary - May 2015. Collection method: clinical testing. Allele origin: germline.
Comment: Variant summary: SETD2 c.4289A>G (p.Glu1430Gly) results in a non-conservative amino acid change in the encoded protein sequence. Three of five in-silico tools predict a benign effect of the variant on protein function. The variant was absent in 250404 control chromosomes. The available data on variant occurrences in the general population are insufficient to allow any conclusion about variant significance. To our knowledge, no occurrence of c.4289A>G in individuals affected with Luscan-Lumish Syndrome and no experimental evidence demonstrating its impact on protein function have been reported. ClinVar contains an entry for this variant (Variation ID: 2634882). Based on the evidence outlined above, the variant was classified as uncertain significance.

PreventionGenetics, part of Exact Sciences
Classification: Uncertain significance for SETD2-related condition. Last evaluated: 2023-07-13. Review status: criteria provided, single submitter. Criteria: ACMG Guidelines, 2015. Collection method: clinical testing. Allele origin: germline.
Comment: The SETD2 c.4289A>G variant is predicted to result in the amino acid substitution p.Glu1430Gly. To our knowledge, this variant has not been reported in the literature or in a large population database, indicating this variant is rare. At this time, the clinical significance of this variant is uncertain due to the absence of conclusive functional and genetic evidence.

NM_014159.7(SETD2):c.4289A>G (p.Glu1430Gly)

Gene: SETD2 (SET domain containing 2, histone lysine methyltransferase; minus strand). Cytogenetic location: 3p21.31.
Variant type: single nucleotide variant.
Coding change: c.4289A>G on transcript NM_014159.7 (MANE Select); coding-DNA position 4289, A replaced by G.
Protein change: p.Glu1430Gly; replaces glutamic acid 1430 with glycine.
Molecular consequence: missense variant. On other transcripts: non-coding transcript variant (1).
Genome position (GRCh38, 1-based): chr3:47,120,347, T>C on the plus strand (A>G on the coding strand, the complement: SETD2 is on the minus strand). VCF-style: chr3-47120347-T-C. GRCh37 (hg19) VCF-style: chr3-47161837-T-C.
Other names: c.4157A>G, p.Glu1386Gly (NM_001349370.3); short protein forms E1386G, E1430G.
Identifiers: ClinVar variation 2634882 (VCV002634882.2), dbSNP rs2043022837, ClinGen allele CA352517854.